The following is an entry in ClinVar:

ClinVar aggregate classification (germline): Likely pathogenic (1 of 4 stars; one submission).

Conditions:
Retinal dystrophy. Also called: Inherited retinal dystrophy. Identifiers: Orphanet 71862, MedGen C0854723, MeSH D058499, MONDO:0019118, HP:0000556.

gnomAD v4.1: 1 of 1,605,350 alleles (0.000062%); highest among the groups gnomAD compares: South Asian, 0.0011%; no homozygotes.

Submission:

Ophthalmic Genetics Group, Institute of Molecular and Clinical Ophthalmology Basel
Classification: Likely pathogenic for Retinal dystrophy. Last evaluated: 2024-05-27. Review status: criteria provided, single submitter. Criteria: ACMG Guidelines, 2015. Collection method: research. Allele origin: germline. Affected: yes. Observed: 1 variant allele.
Comment: This variant was classified as Likely pathogenic based on ACMG criteria: PVS1_strong, PM2_mod and PM3_sup

Literature cited by the submitters: PubMed 40180963.

NM_001122769.3(LCA5):c.1261C>T (p.Gln421Ter)

Gene: LCA5 (lebercilin LCA5; minus strand). Cytogenetic location: 6q14.1.
Variant type: single nucleotide variant.
Coding change: c.1261C>T on transcript NM_001122769.3 (MANE Select); coding-DNA position 1261, C replaced by T.
Protein change: p.Gln421Ter; replaces glutamine 421 with a stop codon.
Molecular consequence: nonsense.
Genome position (GRCh38, 1-based): chr6:79,487,837, G>A on the plus strand (C>T on the coding strand, the complement: LCA5 is on the minus strand). VCF-style: chr6-79487837-G-A. GRCh37 (hg19) VCF-style: chr6-80197554-G-A.
Other names: NC_000006.11:g.80197554G>A; NP_001116241.1:p.(Gln421Ter); c.1261C>T, p.Gln421Ter (NM_181714.4); short protein forms Q421*.
Identifiers: ClinVar variation 3381801 (VCV003381801.2).